The following is an entry in ClinVar:

NM_006767.4(LZTR1):c.69G>C (p.Lys23Asn)

Genes: LZTR1 (leucine zipper like post translational regulator 1; plus strand), LOC130067016 (ATAC-STARR-seq lymphoblastoid silent region 13504; plus strand). Cytogenetic location: 22q11.21.
Variant type: single nucleotide variant.
Coding change: c.69G>C on transcript NM_006767.4 (MANE Select); coding-DNA position 69, G replaced by C.
Protein change: p.Lys23Asn; replaces lysine 23 with asparagine.
Molecular consequence: missense variant.
Genome position (GRCh38, 1-based): chr22:20,982,440, G>C. VCF-style: chr22-20982440-G-C. GRCh37 (hg19) VCF-style: chr22-21336729-G-C.
Other names: short protein forms K23N.
Identifiers: ClinVar variation 2917407 (VCV002917407.3), dbSNP rs2518607748, ClinGen allele CA410777593.

ClinVar aggregate classification (germline): Uncertain significance (1 of 4 stars; one submission).

Allele frequency attached by ClinVar (database versions not stated): gnomAD exomes below 0.00001.
gnomAD v4.1: 1 of 1,588,270 alleles (0.000063%); highest among the groups gnomAD compares: Non-Finnish European, 0.000086%; no homozygotes.

Submission:

Labcorp Genetics (formerly Invitae), Labcorp
Classification: Uncertain significance. Last evaluated: 2023-04-06. Review status: criteria provided, single submitter. Criteria: Invitae Variant Classification Sherloc (09022015). Collection method: clinical testing. Allele origin: germline.
Comment: This sequence change replaces lysine, which is basic and polar, with asparagine, which is neutral and polar, at codon 23 of the LZTR1 protein (p.Lys23Asn). This variant is not present in population databases (gnomAD no frequency). This variant has not been reported in the literature in individuals affected with LZTR1-related conditions. Advanced modeling of protein sequence and biophysical properties (such as structural, functional, and spatial information, amino acid conservation, physicochemical variation, residue mobility, and thermodynamic stability) performed at Invitae indicates that this missense variant is not expected to disrupt LZTR1 protein function. In summary, the available evidence is currently insufficient to determine the role of this variant in disease. Therefore, it has been classified as a Variant of Uncertain Significance.